The following is an entry in ClinVar:

ClinVar aggregate classification (germline): Pathogenic/Likely pathogenic. Review status: criteria provided, multiple submitters, no conflicts (2 of 4 stars). 3 submissions from 3 submitters: Pathogenic (1); Likely pathogenic (2). Last evaluated 2025-05-25.

Conditions:
Hereditary spherocytosis type 1. Also called: Spherocytosis type 1; ANK1-Related Spherocytosis. Identifiers: Orphanet 822, MedGen C2674218, MONDO:0008447, OMIM 182900.

Submissions (3):

Labcorp Genetics (formerly Invitae), Labcorp
Classification: Pathogenic. Last evaluated: 2025-05-25. Review status: criteria provided, single submitter. Criteria: Invitae Variant Classification Sherloc (09022015). Collection method: clinical testing. Allele origin: germline.
Comment: This sequence change creates a premature translational stop signal (p.Glu1038*) in the ANK1 gene. It is expected to result in an absent or disrupted protein product. Loss-of-function variants in ANK1 are known to be pathogenic (PMID: 8640229). This variant is not present in population databases (gnomAD no frequency). This variant has not been reported in the literature in individuals affected with ANK1-related conditions. ClinVar contains an entry for this variant (Variation ID: 3341320). For these reasons, this variant has been classified as Pathogenic.

Revvity Omics, Revvity
Classification: Likely pathogenic for Hereditary spherocytosis type 1. Last evaluated: 2023-10-16. Review status: criteria provided, single submitter. Criteria: ACMG Guidelines, 2015. Collection method: clinical testing. Allele origin: germline.

Neuberg Centre For Genomic Medicine, NCGM
Classification: Likely pathogenic for Hereditary spherocytosis type 1. Last evaluated: 2023-05-20. Review status: criteria provided, single submitter. Criteria: ACMG Guidelines, 2015. Collection method: clinical testing. Allele origin: germline. Inheritance: Autosomal dominant inheritance. Affected: yes.
Comment: The observed stop gained variant c.3112G>T(p.Glu1038Ter) in ANK1 gene has not been reported previously as a pathogenic variant nor as a benign variant, to our knowledge. The c.3112G>T variant is absent in gnomAD Exomes. Computational evidence (MutationTaster - Disease causing) predicts damaging effect on protein structure and function for this variant. This variant is predicted to cause loss of normal protein function through protein truncation. Loss of function variants have been previously reported to be disease causing (Huang TL, et al., 2019). For these reasons, this variant has been classified as Likely Pathogenic.

Literature cited by the submitters: PubMed 8640229 (cited by Labcorp Genetics (formerly Invitae), Labcorp).

NM_000037.4(ANK1):c.3112G>T (p.Glu1038Ter)

Gene: ANK1 (ankyrin 1; minus strand). Cytogenetic location: 8p11.21.
Variant type: single nucleotide variant.
Coding change: c.3112G>T on transcript NM_000037.4 (MANE Select); coding-DNA position 3112, G replaced by T.
Protein change: p.Glu1038Ter; replaces glutamic acid 1038 with a stop codon.
Molecular consequence: nonsense.
Genome position (GRCh38, 1-based): chr8:41,695,180, C>A on the plus strand (G>T on the coding strand, the complement: ANK1 is on the minus strand). VCF-style: chr8-41695180-C-A. GRCh37 (hg19) VCF-style: chr8-41552698-C-A.
Other names: c.3235G>T, p.Glu1079Ter (NM_001142446.2); c.3112G>T, p.Glu1038Ter (NM_020475.3, NM_020476.3, NM_020477.3); short protein forms E1038*, E1079*.
Identifiers: ClinVar variation 3341320 (VCV003341320.3).